The following is an entry in ClinVar:

ClinVar aggregate classification (germline): Uncertain significance (1 of 4 stars; one submission).

Conditions:
Emery-Dreifuss muscular dystrophy 5, autosomal dominant (EDMD5). Also called: EMERY-DREIFUSS MUSCULAR DYSTROPHY 5. Identifiers: Orphanet 261, MedGen C2751805, MONDO:0013072, OMIM 612999.

Allele frequency attached by ClinVar (database versions not stated): gnomAD exomes 0.00001 and 0.00002; TOPMed 0.00001; ExAC 0.00002; gnomAD 0.00002 and 0.00003; 1000 Genomes Project 0.00020; 1000 Genomes Project 30x 0.00031.
gnomAD v4.1: 29 of 1,614,228 alleles (0.0018%); highest among the groups gnomAD compares: East Asian, 0.0045%; no homozygotes.

Submission:

Labcorp Genetics (formerly Invitae), Labcorp
Classification: Uncertain significance for Emery-Dreifuss muscular dystrophy 5, autosomal dominant. Last evaluated: 2025-03-01. Review status: criteria provided, single submitter. Criteria: Invitae Variant Classification Sherloc (09022015). Collection method: clinical testing. Allele origin: germline.
Comment: This sequence change replaces valine, which is neutral and non-polar, with isoleucine, which is neutral and non-polar, at codon 5879 of the SYNE2 protein (p.Val5879Ile). This variant is present in population databases (rs555731479, gnomAD 0.01%). This variant has not been reported in the literature in individuals affected with SYNE2-related conditions. ClinVar contains an entry for this variant (Variation ID: 470952). An algorithm developed to predict the effect of missense changes on protein structure and function outputs the following: PolyPhen-2: "Benign". The isoleucine amino acid residue is found in multiple mammalian species, which suggests that this missense change does not adversely affect protein function. In summary, the available evidence is currently insufficient to determine the role of this variant in disease. Therefore, it has been classified as a Variant of Uncertain Significance.

NM_182914.3(SYNE2):c.17635G>A (p.Val5879Ile)

Gene: SYNE2 (spectrin repeat containing nuclear envelope protein 2; plus strand). Cytogenetic location: 14q23.2.
Variant type: single nucleotide variant.
Coding change: c.17635G>A on transcript NM_182914.3 (MANE Select); coding-DNA position 17635, G replaced by A.
Protein change: p.Val5879Ile; replaces valine 5879 with isoleucine.
Molecular consequence: missense variant.
Genome position (GRCh38, 1-based): chr14:64,186,502, G>A. VCF-style: chr14-64186502-G-A. GRCh37 (hg19) VCF-style: chr14-64653220-G-A.
Other names: c.17635G>A, p.Val5879Ile (NM_015180.6); short protein forms V5879I.
Identifiers: ClinVar variation 470952 (VCV000470952.9), dbSNP rs555731479, ClinGen allele CA7223780.